The following is an entry in ClinVar:

ClinVar aggregate classification (germline): Uncertain significance (1 of 4 stars; one submission).

Conditions:
Inborn genetic diseases. Identifiers: MedGen C0950123, MeSH D030342.

Allele frequency attached by ClinVar (database versions not stated): gnomAD 0.00001.
gnomAD v4.1: 1 of 1,613,776 alleles (0.000062%); highest among the groups gnomAD compares: Non-Finnish European, 0.000085%; no homozygotes.

Submission:

Ambry Genetics
Classification: Uncertain significance for Inborn genetic diseases. Last evaluated: 2021-08-15. Review status: criteria provided, single submitter. Criteria: Ambry Variant Classification Scheme 2023. Collection method: clinical testing. Allele origin: germline.
Comment: The p.M278V variant (also known as c.832A>G), located in coding exon 4 of the PIK3CA gene, results from an A to G substitution at nucleotide position 832. The methionine at codon 278 is replaced by valine, an amino acid with highly similar properties. This amino acid position is conserved. In addition, the in silico prediction for this alteration is inconclusive. Since supporting evidence is limited at this time, the clinical significance of this alteration remains unclear.

NM_006218.4(PIK3CA):c.832A>G (p.Met278Val)

Gene: PIK3CA (phosphatidylinositol-4,5-bisphosphate 3-kinase catalytic subunit alpha; plus strand). Cytogenetic location: 3q26.32.
Variant type: single nucleotide variant.
Coding change: c.832A>G on transcript NM_006218.4 (MANE Select); coding-DNA position 832, A replaced by G.
Protein change: p.Met278Val; replaces methionine 278 with valine.
Molecular consequence: missense variant.
Genome position (GRCh38, 1-based): chr3:179,203,562, A>G. VCF-style: chr3-179203562-A-G. GRCh37 (hg19) VCF-style: chr3-178921350-A-G.
Other names: short protein forms M278V.
Identifiers: ClinVar variation 1762950 (VCV001762950.2), dbSNP rs1460491333, ClinGen allele CA355279725.
Genomic context (GRCh38, chr3:179,203,562, plus strand): 5'-AAAACCTTACAGGAAATGGCTCGCCCCCTTAATCTCTTACAGTATATAAGAAGCTGTATA[A>G]TGCTTGGGAGGATGCCCAATTTGATGTTGATGGCTAAAGAAAGCCTTTATTCTCAACTGC-3'
Protein context (NP_006209.2, residues 268-288): SQYKYIRSCI[Met278Val]LGRMPNLMLM